The following is an entry in ClinVar:

ClinVar aggregate classification (germline): Uncertain significance (1 of 4 stars; one submission).

Allele frequency attached by ClinVar (database versions not stated): gnomAD exomes below 0.00001; TOPMed below 0.00001; gnomAD 0.00001.
gnomAD v4.1: 10 of 1,604,900 alleles (0.00062%); highest among the groups gnomAD compares: Non-Finnish European, 0.00085%; no homozygotes.

Submission:

Labcorp Genetics (formerly Invitae), Labcorp
Classification: Uncertain significance. Last evaluated: 2021-06-16. Review status: criteria provided, single submitter. Criteria: Invitae Variant Classification Sherloc (09022015). Collection method: clinical testing. Allele origin: germline.
Comment: Algorithms developed to predict the effect of missense changes on protein structure and function (SIFT, PolyPhen-2, Align-GVGD) all suggest that this variant is likely to be disruptive, but these predictions have not been confirmed by published functional studies and their clinical significance is uncertain. In summary, the available evidence is currently insufficient to determine the role of this variant in disease. Therefore, it has been classified as a Variant of Uncertain Significance. This variant is not present in population databases (ExAC no frequency). This variant has not been reported in the literature in individuals with GATA5-related conditions. This sequence change replaces arginine with serine at codon 187 of the GATA5 protein (p.Arg187Ser). The arginine residue is highly conserved and there is a moderate physicochemical difference between arginine and serine.

NM_080473.5(GATA5):c.559C>A (p.Arg187Ser)

Gene: GATA5 (GATA binding protein 5; minus strand). Cytogenetic location: 20q13.33.
Variant type: single nucleotide variant.
Coding change: c.559C>A on transcript NM_080473.5 (MANE Select); coding-DNA position 559, C replaced by A.
Protein change: p.Arg187Ser; replaces arginine 187 with serine.
Molecular consequence: missense variant.
Genome position (GRCh38, 1-based): chr20:62,473,543, G>T on the plus strand (C>A on the coding strand, the complement: GATA5 is on the minus strand). VCF-style: chr20-62473543-G-T. GRCh37 (hg19) VCF-style: chr20-61048599-G-T.
Other names: short protein forms R187S.
Identifiers: ClinVar variation 1375909 (VCV001375909.8), dbSNP rs1454480370, ClinGen allele CA409555396.